The following is an entry in ClinVar:

ClinVar aggregate classification (germline): Uncertain significance. Review status: criteria provided, multiple submitters, no conflicts (2 of 4 stars). 2 submissions from 2 submitters: Uncertain significance (2). Last evaluated 2025-06-10.

Allele frequency attached by ClinVar (database versions not stated): gnomAD 0.00032 and 0.00030; gnomAD exomes 0.00004; ExAC 0.00005; ESP Exome Variant Server 0.00008; TOPMed 0.00023.
gnomAD v4.1: 94 of 1,613,720 alleles (0.0058%); highest among the groups gnomAD compares: African/African-American, 0.091%; no homozygotes.

Submissions (2):

Labcorp Genetics (formerly Invitae), Labcorp
Classification: Uncertain significance. Last evaluated: 2025-06-10. Review status: criteria provided, single submitter. Criteria: Invitae Variant Classification Sherloc (09022015). Collection method: clinical testing. Allele origin: germline.
Comment: This sequence change replaces arginine, which is basic and polar, with tryptophan, which is neutral and slightly polar, at codon 131 of the ITGAM protein (p.Arg131Trp). This variant is present in population databases (rs367996769, gnomAD 0.05%). This variant has not been reported in the literature in individuals affected with ITGAM-related conditions. ClinVar contains an entry for this variant (Variation ID: 1385732). An algorithm developed to predict the effect of missense changes on protein structure and function outputs the following: PolyPhen-2: "Benign". The tryptophan amino acid residue is found in multiple mammalian species, which suggests that this missense change does not adversely affect protein function. In summary, the available evidence is currently insufficient to determine the role of this variant in disease. Therefore, it has been classified as a Variant of Uncertain Significance.

Ambry Genetics
Classification: Uncertain significance. Last evaluated: 2024-05-09. Review status: criteria provided, single submitter. Criteria: Ambry Variant Classification Scheme 2023. Collection method: clinical testing. Allele origin: germline.

NM_000632.4(ITGAM):c.391C>T (p.Arg131Trp)

Genes: ITGAM (integrin subunit alpha M; plus strand), LOC126862331 (P300/CBP strongly-dependent group 1 enhancer GRCh37_chr16:31276375-31277574; plus strand). Cytogenetic location: 16p11.2.
Variant type: single nucleotide variant.
Coding change: c.391C>T on transcript NM_000632.4 (MANE Select); coding-DNA position 391, C replaced by T.
Protein change: p.Arg131Trp; replaces arginine 131 with tryptophan.
Molecular consequence: missense variant.
Genome position (GRCh38, 1-based): chr16:31,266,111, C>T. VCF-style: chr16-31266111-C-T. GRCh37 (hg19) VCF-style: chr16-31277432-C-T.
Other names: c.391C>T, p.Arg131Trp (NM_001145808.2); c.391C>T (NM_000632.3); short protein forms R131W.
Identifiers: ClinVar variation 1385732 (VCV001385732.7), dbSNP rs367996769, ClinGen allele CA8025213.